The following is an entry in ClinVar:

ClinVar aggregate classification (germline): Likely pathogenic (1 of 4 stars; one submission).

Conditions:
Joubert syndrome and related disorders. Identifiers: Orphanet 140874, MedGen C5679612, MONDO:0015369.

Submission:

Women's Health and Genetics/Laboratory Corporation of America, LabCorp
Classification: Likely pathogenic for Joubert syndrome and related disorders. Last evaluated: 2022-03-03. Review status: criteria provided, single submitter. Criteria: LabCorp Variant Classification Summary - May 2015. Collection method: clinical testing. Allele origin: germline.
Comment: Variant summary: CEP104 c.1867_1870delTATG (p.Tyr623ArgfsX48) results in a premature termination codon, predicted to cause a truncation of the encoded protein or absence of the protein due to nonsense mediated decay, which are commonly known mechanisms for disease. The variant allele was found at a frequency of 4e-06 in 251436 control chromosomes (gnomAD). To our knowledge, no occurrence of c.1867_1870delTATG in individuals affected with Joubert Syndrome And Related Disorders and no experimental evidence demonstrating its impact on protein function have been reported. No clinical diagnostic laboratories have submitted clinical-significance assessments for this variant to ClinVar after 2014. Based on the evidence outlined above, the variant was classified as likely pathogenic.

NM_014704.4(CEP104):c.1867_1870del (p.Tyr623fs)

Genes: CEP104 (centrosomal protein 104; minus strand), LOC126805586 (CDK7 strongly-dependent group 2 enhancer GRCh37_chr1:3745882-3747081; plus strand). Cytogenetic location: 1p36.32.
Variant type: Deletion.
Coding change: c.1867_1870del on transcript NM_014704.4 (MANE Select); coding-DNA positions 1867 to 1870, 4 bases deleted (TATG; older notation c.1867_1870delTATG).
Protein change: p.Tyr623fs; shifts the reading frame from tyrosine 623.
Molecular consequence: frameshift variant.
Genome position (GRCh38, 1-based): chr1:3,829,964-3,829,967, CATA deleted on the plus strand (TATG on the coding strand, the reverse complement: CEP104 is on the minus strand); deleting any 4 consecutive bases within chr1:3,829,964-3,829,969 gives the same sequence; the c. name uses the placement nearest the transcript's 3' end. VCF-style (leftmost placement, unchanged base first): chr1-3829963-TCATA-T. GRCh37 (hg19) VCF-style: chr1-3746527-TCATA-T.
Other names: short protein forms Y623fs.
Identifiers: ClinVar variation 1677239 (VCV001677239.1), dbSNP rs1189678912, ClinGen allele CA521016730.
Genomic context (GRCh38, chr1:3,829,963, plus strand): 5'-ATGGAAGCCTGGTGCTGTCTGTACATGTCCAAAATAATTCGAACCGCCGTCTCGCGGACC[TCATA>T]CACTCTATGCTCCAGGGCACTCACTGAAAACTAAAGTTGGGAGGGGCTCTTGTTACTCAT-3'